The following is an entry in ClinVar:

ClinVar aggregate classification (germline): Likely pathogenic (1 of 4 stars; one submission).

Conditions:
Fanconi anemia (FA). Also called: Fanconi's anemia. Identifiers: Orphanet 84, MedGen C0015625, MeSH D005199, MONDO:0019391.

Submission:

Labcorp Genetics (formerly Invitae), Labcorp
Classification: Likely pathogenic for Fanconi anemia. Last evaluated: 2020-07-22. Review status: criteria provided, single submitter. Criteria: Invitae Variant Classification Sherloc (09022015). Collection method: clinical testing. Allele origin: germline.
Comment: This variant is a gross deletion of the genomic region encompassing exon(s) 18-43 of the FANCD2 gene. The 5' boundary is likely confined to intron 17. The 3' end of this event is unknown as it extends through the termination codon beyond the assayed region for this gene and may encompass additional genes. While this deletion is not anticipated to result in nonsense mediated decay, it is expected to create a truncated protein product or disrupt mRNA translation. This variant has not been reported in the literature in individuals with FANCD2-related conditions. Experimental studies and prediction algorithms are not available or were not evaluated, and the functional significance of this variant is currently unknown. This variant disrupts the p.Arg815 amino acid residue in FANCD2. Other variant(s) that disrupt this residue have been determined to be pathogenic (PMID: 17436244, 27041517). This suggests that this residue is clinically significant, and that variants that disrupt this residue are likely to be disease-causing. In summary, the currently available evidence indicates that the variant is pathogenic, but additional data are needed to prove that conclusively. Therefore, this variant has been classified as Likely Pathogenic.

Literature cited by the submitters: PubMed 17436244; PubMed 27041517.

NC_000003.11:g.(?_10091048)_(10140634_?)del

Genes: FANCD2 (FA complementation group D2; plus strand), FANCD2OS (FANCD2 opposite strand; minus strand). Cytogenetic location: 3p25.3.
Variant type: Deletion.
Identifiers: ClinVar variation 1065982 (VCV001065982.5).